The following is an entry in ClinVar:

NM_001286.5(CLCN6):c.1961G>A (p.Ser654Asn)

Gene: CLCN6 (chloride voltage-gated channel 6; plus strand). Cytogenetic location: 1p36.22.
Variant type: single nucleotide variant.
Coding change: c.1961G>A on transcript NM_001286.5 (MANE Select); coding-DNA position 1961, G replaced by A.
Protein change: p.Ser654Asn; replaces serine 654 with asparagine.
Molecular consequence: missense variant. On other transcripts: non-coding transcript variant (1).
Genome position (GRCh38, 1-based): chr1:11,836,134, G>A. VCF-style: chr1-11836134-G-A. GRCh37 (hg19) VCF-style: chr1-11896191-G-A.
Other names: c.1895G>A, p.Ser632Asn (NM_001256959.2); short protein forms S654N, S632N.
Identifiers: ClinVar variation 1347077 (VCV001347077.8), dbSNP rs151185565, ClinGen allele CA596653.
Genomic context (GRCh38, chr1:11,836,134, plus strand): 5'-CGGTGGTCACAGAGAACCGCGGTAACGAGAAGGAGTTCATGAAGGGCAACCAGCTCATCA[G>A]CAACAACATCAAGTTCAAGGTAAAGAAAACGGCATGAGAGGAAAGGCAGGTGAGAGACAA-3'
Protein context (NP_001277.2, residues 644-664): KEFMKGNQLI[Ser654Asn]NNIKFKKSSI

ClinVar aggregate classification (germline): Uncertain significance (1 of 4 stars; one submission).

Allele frequency attached by ClinVar (database versions not stated): ExAC 0.00001; gnomAD 0.00001; gnomAD exomes 0.00001 and 0.00002; ESP Exome Variant Server 0.00008.
gnomAD v4.1: 22 of 1,612,734 alleles (0.0014%); highest among the groups gnomAD compares: Non-Finnish European, 0.0018%; no homozygotes.

Submission:

Labcorp Genetics (formerly Invitae), Labcorp
Classification: Uncertain significance. Last evaluated: 2022-02-21. Review status: criteria provided, single submitter. Criteria: Invitae Variant Classification Sherloc (09022015). Collection method: clinical testing. Allele origin: germline.
Comment: In summary, the available evidence is currently insufficient to determine the role of this variant in disease. Therefore, it has been classified as a Variant of Uncertain Significance. Algorithms developed to predict the effect of missense changes on protein structure and function are either unavailable or do not agree on the potential impact of this missense change (SIFT: "Tolerated"; PolyPhen-2: "Probably Damaging"; Align-GVGD: "Class C0"). This variant has not been reported in the literature in individuals affected with CLCN6-related conditions. This variant is present in population databases (rs151185565, gnomAD 0.005%). This sequence change replaces serine, which is neutral and polar, with asparagine, which is neutral and polar, at codon 654 of the CLCN6 protein (p.Ser654Asn).